The following is an entry in ClinVar:

NM_002016.2(FLG):c.1491C>T (p.His497=)

Genes: CCDST (cervical cancer associated DHX9 suppressive transcript; plus strand), FLG (filaggrin; minus strand). Cytogenetic location: 1q21.3.
Variant type: single nucleotide variant.
Coding change: c.1491C>T on transcript NM_002016.2 (MANE Select); coding-DNA position 1491, C replaced by T.
Protein change: p.His497=; no amino-acid change (histidine 497 retained).
Molecular consequence: synonymous variant.
Genome position (GRCh38, 1-based): chr1:152,313,395, G>A on the plus strand (C>T on the coding strand, the complement: FLG is on the minus strand). VCF-style: chr1-152313395-G-A. GRCh37 (hg19) VCF-style: chr1-152285871-G-A.
Identifiers: ClinVar variation 3771234 (VCV003771234.13).

ClinVar aggregate classification (germline): Likely benign (1 of 4 stars; one submission).

gnomAD v4.1: 134 of 1,612,908 alleles (0.0083%); highest among the groups gnomAD compares: African/African-American, 0.13%; 1 homozygote.

Submission:

CeGaT Center for Human Genetics Tuebingen
Classification: Likely benign. Last evaluated: 2025-02-01. Review status: criteria provided, single submitter. Criteria: CeGaT Center For Human Genetics Tuebingen Variant Classification Criteria Version 2. Collection method: clinical testing. Allele origin: germline. Affected: yes. Observed: 1 variant allele.
Comment: FLG: BP4, BP7